The following is an entry in ClinVar:

ClinVar aggregate classification (germline): Uncertain significance. Review status: criteria provided, multiple submitters, no conflicts (2 of 4 stars). 4 submissions from 4 submitters: Uncertain significance (4). Last evaluated 2026-01-07.

Conditions:
Inborn genetic diseases. Identifiers: MedGen C0950123, MeSH D030342.

Allele frequency attached by ClinVar (database versions not stated): gnomAD exomes 0.00034; gnomAD 0.00037 and 0.00040; 1000 Genomes Project 30x 0.00016; 1000 Genomes Project 0.00020; TOPMed 0.00028; ESP Exome Variant Server 0.00038; ExAC 0.00040.
gnomAD v4.1: 576 of 1,614,140 alleles (0.036%); highest among the groups gnomAD compares: Non-Finnish European, 0.041%; 1 homozygote.

Submissions (4):

Women's Health and Genetics/Laboratory Corporation of America, LabCorp
Classification: Uncertain significance. Last evaluated: 2026-01-07. Review status: criteria provided, single submitter. Criteria: LabCorp Variant Classification Summary - May 2015. Collection method: clinical testing. Allele origin: germline.
Comment: Variant summary: HPS4 c.1397G>A (p.Arg466His) results in a non-conservative amino acid change in the encoded protein sequence. Algorithms developed to predict the effect of missense changes on protein structure and function are either unavailable or do not agree on the potential impact of this missense change. The variant allele was found at a frequency of 0.00034 in 251280 control chromosomes, predominantly at a frequency of 0.00055 within the African or African-American subpopulation in the gnomAD database. The available data on variant occurrences in the general population are insufficient to allow any conclusion about variant significance. To our knowledge, no occurrence of c.1397G>A in individuals affected with HPS4-related conditions and no experimental evidence demonstrating its impact on protein function have been reported. ClinVar contains an entry for this variant (Variation ID: 1005153). Based on the evidence outlined above, the variant was classified as uncertain significance.

Ambry Genetics
Classification: Uncertain significance for Inborn genetic diseases. Last evaluated: 2025-08-04. Review status: criteria provided, single submitter. Criteria: Ambry Variant Classification Scheme 2023. Collection method: clinical testing. Allele origin: germline.

Labcorp Genetics (formerly Invitae), Labcorp
Classification: Uncertain significance. Last evaluated: 2025-01-13. Review status: criteria provided, single submitter. Criteria: Invitae Variant Classification Sherloc (09022015). Collection method: clinical testing. Allele origin: germline.
Comment: This sequence change replaces arginine, which is basic and polar, with histidine, which is basic and polar, at codon 466 of the HPS4 protein (p.Arg466His). This variant is present in population databases (rs142958812, gnomAD 0.05%). This variant has not been reported in the literature in individuals affected with HPS4-related conditions. ClinVar contains an entry for this variant (Variation ID: 1005153). An algorithm developed to predict the effect of missense changes on protein structure and function (PolyPhen-2) suggests that this variant is likely to be disruptive. In summary, the available evidence is currently insufficient to determine the role of this variant in disease. Therefore, it has been classified as a Variant of Uncertain Significance.

GeneDx
Classification: Uncertain significance. Last evaluated: 2022-03-28. Review status: criteria provided, single submitter. Criteria: GeneDx Variant Classification Process June 2021. Collection method: clinical testing. Allele origin: germline. Affected: yes.
Comment: In silico analysis supports that this missense variant does not alter protein structure/function; Has not been previously published as pathogenic or benign to our knowledge

NM_022081.6(HPS4):c.1397G>A (p.Arg466His)

Gene: HPS4 (HPS4 biogenesis of lysosomal organelles complex 3 subunit 2; minus strand). Cytogenetic location: 22q12.1.
Variant type: single nucleotide variant.
Coding change: c.1397G>A on transcript NM_022081.6 (MANE Select); coding-DNA position 1397, G replaced by A.
Protein change: p.Arg466His; replaces arginine 466 with histidine.
Molecular consequence: missense variant. On other transcripts: non-coding transcript variant (8).
Genome position (GRCh38, 1-based): chr22:26,464,233, C>T on the plus strand (G>A on the coding strand, the complement: HPS4 is on the minus strand). VCF-style: chr22-26464233-C-T. GRCh37 (hg19) VCF-style: chr22-26860199-C-T.
Other names: c.1397G>A, p.Arg466His (NM_001349896.1, NM_001349898.2, NM_001349899.2 and 4 more transcripts); c.1451G>A, p.Arg484His (NM_001349900.2, NM_001349901.1); c.1382G>A, p.Arg461His (NM_152841.2); c.1397G>A (NM_022081.4); short protein forms R461H, R466H, R484H.
Identifiers: ClinVar variation 1005153 (VCV001005153.13), dbSNP rs142958812, ClinGen allele CA10163333.